The following is an entry in ClinVar:

ClinVar aggregate classification (germline): Uncertain significance (1 of 4 stars; one submission).

gnomAD v4.1: 21 of 1,614,030 alleles (0.0013%); highest among the groups gnomAD compares: Non-Finnish European, 0.0017%; no homozygotes.

Submission:

Labcorp Genetics (formerly Invitae), Labcorp
Classification: Uncertain significance. Last evaluated: 2025-04-17. Review status: criteria provided, single submitter. Criteria: Invitae Variant Classification Sherloc (09022015). Collection method: clinical testing. Allele origin: germline.
Comment: This sequence change affects an acceptor splice site in intron 23 of the COL4A1 gene. It is expected to disrupt RNA splicing. Variants that disrupt the donor or acceptor splice site typically lead to a loss of protein function (PMID: 16199547), and loss-of-function variants in COL4A1 are known to be pathogenic (PMID: 23225343). This variant is present in population databases (rs201606177, gnomAD 0.009%). This variant has not been reported in the literature in individuals affected with COL4A1-related conditions. Disruption of this splice site has been observed in at least one individual who was not affected with COL4A1-related conditions (internal data). Algorithms developed to predict the effect of sequence changes on RNA splicing suggest that this variant may disrupt the consensus splice site. In summary, the available evidence is currently insufficient to determine the role of this variant in disease. Therefore, it has been classified as a Variant of Uncertain Significance.

Literature cited by the submitters: PubMed 16199547; PubMed 23225343.

NM_001845.6(COL4A1):c.1466-1G>T

Gene: COL4A1 (collagen type IV alpha 1 chain; minus strand). Cytogenetic location: 13q34.
Variant type: single nucleotide variant.
Coding change: c.1466-1G>T on transcript NM_001845.6 (MANE Select); the canonical splice acceptor site of the intron before coding-DNA position 1466, G replaced by T.
Molecular consequence: splice acceptor variant.
Genome position (GRCh38, 1-based): chr13:110,192,285, C>A on the plus strand (G>T on the coding strand, the complement: COL4A1 is on the minus strand). VCF-style: chr13-110192285-C-A. GRCh37 (hg19) VCF-style: chr13-110844632-C-A.
Other names: c.1466-1G>T (NM_001303110.2).
Identifiers: ClinVar variation 4737897 (VCV004737897.1).